The following is an entry in ClinVar:

ClinVar aggregate classification (germline): Uncertain significance. Review status: criteria provided, multiple submitters, no conflicts (2 of 4 stars). 2 submissions from 2 submitters: Uncertain significance (2). Last evaluated 2026-04-11.

Conditions:
Fanconi anemia complementation group J. Also called: BRIP1-Related Fanconi Anemia. Identifiers: Orphanet 84, MedGen C1836860, MONDO:0012187, OMIM 609054.
Familial cancer of breast. Also called: hereditary breast carcinoma; BREAST CANCER, FAMILIAL; Hereditary breast cancer. Identifiers: Orphanet 227535, MedGen C0346153, MONDO:0016419, OMIM 114480. Disease mechanism: loss of function.
Hereditary cancer-predisposing syndrome. Also called: Hereditary neoplastic syndrome; Neoplastic Syndromes, Hereditary; Tumor predisposition; Hereditary Cancer Syndrome. Identifiers: Orphanet 140162, MedGen C0027672, MeSH D009386, MONDO:0015356.

Allele frequency attached by ClinVar (database versions not stated): gnomAD 0.00001.
gnomAD v4.1: 1 of 1,613,630 alleles (0.000062%); highest among the groups gnomAD compares: African/African-American, 0.0013%; no homozygotes.

Submissions (2):

Ambry Genetics
Classification: Uncertain significance for Hereditary cancer-predisposing syndrome. Last evaluated: 2026-04-11. Review status: criteria provided, single submitter. Criteria: Ambry Variant Classification Scheme 2023. Collection method: clinical testing. Allele origin: germline.
Comment: The p.K1205E variant (also known as c.3613A>G), located in coding exon 19 of the BRIP1 gene, results from an A to G substitution at nucleotide position 3613. The lysine at codon 1205 is replaced by glutamic acid, an amino acid with similar properties. This amino acid position is conserved. In addition, this alteration is predicted to be tolerated by in silico analysis. Based on the available evidence, the clinical significance of this variant remains unclear.

Labcorp Genetics (formerly Invitae), Labcorp
Classification: Uncertain significance for Familial cancer of breast; Fanconi anemia complementation group J. Last evaluated: 2023-03-10. Review status: criteria provided, single submitter. Criteria: Invitae Variant Classification Sherloc (09022015). Collection method: clinical testing. Allele origin: germline.
Comment: In summary, the available evidence is currently insufficient to determine the role of this variant in disease. Therefore, it has been classified as a Variant of Uncertain Significance. An algorithm developed to predict the effect of missense changes on protein structure and function (PolyPhen-2) suggests that this variant is likely to be tolerated. This variant has not been reported in the literature in individuals affected with BRIP1-related conditions. This variant is present in population databases (no rsID available, gnomAD 0.01%). This sequence change replaces lysine, which is basic and polar, with glutamic acid, which is acidic and polar, at codon 1205 of the BRIP1 protein (p.Lys1205Glu).

NM_032043.3(BRIP1):c.3613A>G (p.Lys1205Glu)

Gene: BRIP1 (BRCA1 interacting DNA helicase 1; minus strand). Cytogenetic location: 17q23.2.
Variant type: single nucleotide variant.
Coding change: c.3613A>G on transcript NM_032043.3 (MANE Select); coding-DNA position 3613, A replaced by G.
Protein change: p.Lys1205Glu; replaces lysine 1205 with glutamic acid.
Molecular consequence: missense variant.
Genome position (GRCh38, 1-based): chr17:61,683,433, T>C on the plus strand (A>G on the coding strand, the complement: BRIP1 is on the minus strand). VCF-style: chr17-61683433-T-C. GRCh37 (hg19) VCF-style: chr17-59760794-T-C.
Other names: short protein forms K1205E.
Identifiers: ClinVar variation 2945198 (VCV002945198.4), dbSNP rs1345178694, ClinGen allele CA400478031.